The following is an entry in ClinVar:

NM_001148.6(ANK2):c.11827G>T (p.Val3943Phe)

Gene: ANK2 (ankyrin 2; plus strand). Cytogenetic location: 4q26.
Variant type: single nucleotide variant.
Coding change: c.11827G>T on transcript NM_001148.6 (MANE Select); coding-DNA position 11827, G replaced by T.
Protein change: p.Val3943Phe; replaces valine 3943 with phenylalanine.
Molecular consequence: missense variant. On other transcripts: intron variant (9).
Genome position (GRCh38, 1-based): chr4:113,373,417, G>T. VCF-style: chr4-113373417-G-T. GRCh37 (hg19) VCF-style: chr4-114294573-G-T.
Other names: c.3100G>T, p.Val1034Phe (NM_001354281.2, NM_001354278.2); c.11593G>T, p.Val3865Phe (NM_001386142.1); c.5602G>T, p.Val1868Phe (NM_001386143.1, NM_001354243.2); c.5710G>T, p.Val1904Phe (NM_001386144.1); c.5446G>T, p.Val1816Phe (NM_001386146.1, NM_001386150.1); c.5398G>T, p.Val1800Phe (NM_001386147.1); c.5557G>T, p.Val1853Phe (NM_001386148.2, NM_001386186.2); c.5353G>T, p.Val1785Phe (NM_001386149.1, NM_001386153.1); and 50 more; short protein forms V1034F, V1041F, V1046F, V1697F, V1730F, V1758F, V1763F, V1771F.
Identifiers: ClinVar variation 4858005 (VCV004858005.1).

ClinVar aggregate classification (germline): Uncertain significance (1 of 4 stars; one submission).

Conditions:
Cardiovascular phenotype. Identifiers: MedGen CN230736.

Submission:

Ambry Genetics
Classification: Uncertain significance for Cardiovascular phenotype. Last evaluated: 2026-03-15. Review status: criteria provided, single submitter. Criteria: Ambry Variant Classification Scheme 2023. Collection method: clinical testing. Allele origin: germline.
Comment: The p.V3943F variant (also known as c.11827G>T), located in coding exon 45 of the ANK2 gene, results from a G to T substitution at nucleotide position 11827. The valine at codon 3943 is replaced by phenylalanine, an amino acid with highly similar properties. This amino acid position is conserved. In addition, the in silico prediction for this alteration is inconclusive. Based on the available evidence, the clinical significance of this variant remains unclear.